The following is an entry in ClinVar:

ClinVar aggregate classification (germline): Uncertain significance. Review status: criteria provided, multiple submitters, no conflicts (2 of 4 stars). 2 submissions from 2 submitters: Uncertain significance (2). Last evaluated 2025-12-09.

Allele frequency attached by ClinVar (database versions not stated): ExAC 0.00013; gnomAD exomes 0.00015 and 0.00006; gnomAD 0.00004 and 0.00005; TOPMed 0.00006; ESP Exome Variant Server 0.00031.

Submissions (2):

Ambry Genetics
Classification: Uncertain significance. Last evaluated: 2025-12-09. Review status: criteria provided, single submitter. Criteria: Ambry Variant Classification Scheme 2023. Collection method: clinical testing. Allele origin: germline.

Labcorp Genetics (formerly Invitae), Labcorp
Classification: Uncertain significance. Last evaluated: 2022-08-16. Review status: criteria provided, single submitter. Criteria: Invitae Variant Classification Sherloc (09022015). Collection method: clinical testing. Allele origin: germline.
Comment: This sequence change replaces alanine, which is neutral and non-polar, with threonine, which is neutral and polar, at codon 129 of the CFD protein (p.Ala129Thr). This variant is present in population databases (rs150646348, gnomAD 0.01%). This variant has not been reported in the literature in individuals affected with CFD-related conditions. ClinVar contains an entry for this variant (Variation ID: 1422655). Algorithms developed to predict the effect of missense changes on protein structure and function are either unavailable or do not agree on the potential impact of this missense change (SIFT: "Not Available"; PolyPhen-2: "Benign"; Align-GVGD: "Not Available"). Algorithms developed to predict the effect of sequence changes on RNA splicing suggest that this variant may create or strengthen a splice site. In summary, the available evidence is currently insufficient to determine the role of this variant in disease. Therefore, it has been classified as a Variant of Uncertain Significance.

NM_001928.4(CFD):c.385G>A (p.Ala129Thr)

Gene: CFD (complement factor D; plus strand). Cytogenetic location: 19p13.3.
Variant type: single nucleotide variant.
Coding change: c.385G>A on transcript NM_001928.4 (MANE Select); coding-DNA position 385, G replaced by A.
Protein change: p.Ala129Thr; replaces alanine 129 with threonine.
Molecular consequence: missense variant.
Genome position (GRCh38, 1-based): chr19:861,726, G>A. VCF-style: chr19-861726-G-A. GRCh37 (hg19) VCF-style: chr19-861726-G-A.
Other names: c.385G>A (NM_001928.2); c.406G>A, p.Ala136Thr (NM_001317335.2); short protein forms A136T, A129T.
Identifiers: ClinVar variation 1422655 (VCV001422655.4), dbSNP rs150646348, ClinGen allele CA9026350.